The following is an entry in ClinVar:

NM_020937.4(FANCM):c.5972_5973del (p.Cys1991fs)

Gene: FANCM (FA complementation group M; plus strand). Cytogenetic location: 14q21.2.
Variant type: Microsatellite.
Coding change: c.5972_5973del on transcript NM_020937.4 (MANE Select); coding-DNA positions 5972 to 5973, 2 bases deleted (GT; older notation c.5972_5973delGT).
Protein change: p.Cys1991fs; shifts the reading frame from cysteine 1991.
Molecular consequence: frameshift variant.
Genome position (GRCh38, 1-based): chr14:45,198,899-45,198,900, GT deleted; deleting any 2 consecutive bases within chr14:45,198,896-45,198,900 gives the same sequence; the c. name uses the placement nearest the transcript's 3' end. VCF-style (leftmost placement, unchanged base first): chr14-45198895-ATG-A. GRCh37 (hg19) VCF-style: chr14-45668098-ATG-A.
Other names: c.5894_5895del, p.Cys1965fs (NM_001308133.2); c.5972_5973delGT (NM_020937.4); short protein forms C1965fs, C1991fs.
Identifiers: ClinVar variation 4845781 (VCV004845781.1).

ClinVar aggregate classification (germline): Likely pathogenic (1 of 4 stars; one submission).

Conditions:
Premature ovarian failure 15. Identifiers: MedGen C4748170, MONDO:0054862, OMIM 618096.
Spermatogenic failure 28. Identifiers: MedGen C4748117, MONDO:0054732, OMIM 618086.

Submission:

First Genomix Gene Laboratory, Genetic Diagnostics Department
Classification: Likely pathogenic for Premature ovarian failure 15; Spermatogenic failure 28. Last evaluated: 2025-04-08. Review status: criteria provided, single submitter. Criteria: ACMG Guidelines, 2015. Collection method: clinical testing. Allele origin: germline. Inheritance: Autosomal recessive inheritance. Affected: no. Observed: 1 variant allele.